The following is an entry in ClinVar:

NM_001261826.3(AP3D1):c.2937+7G>A

Gene: AP3D1 (adaptor related protein complex 3 subunit delta 1; minus strand). Cytogenetic location: 19p13.3.
Variant type: single nucleotide variant.
Coding change: c.2937+7G>A on transcript NM_001261826.3 (MANE Select); 7 bases into the intron after coding-DNA position 2937, G replaced by A.
Molecular consequence: intron variant.
Genome position (GRCh38, 1-based): chr19:2,111,672, C>T on the plus strand (G>A on the coding strand, the complement: AP3D1 is on the minus strand). VCF-style: chr19-2111672-C-T. GRCh37 (hg19) VCF-style: chr19-2111671-C-T.
Other names: c.2751+7G>A (NM_003938.8); c.2901+7G>A (NM_001374799.1).
Identifiers: ClinVar variation 2119616 (VCV002119616.4), dbSNP rs760328728, ClinGen allele CA9058673.

ClinVar aggregate classification (germline): Uncertain significance (1 of 4 stars; one submission).

Allele frequency attached by ClinVar (database versions not stated): ExAC 0.00002.
gnomAD v4.1: 17 of 1,582,332 alleles (0.0011%); highest among the groups gnomAD compares: African/African-American, 0.0013%; no homozygotes.

Submission:

Labcorp Genetics (formerly Invitae), Labcorp
Classification: Uncertain significance. Last evaluated: 2022-07-23. Review status: criteria provided, single submitter. Criteria: Invitae Variant Classification Sherloc (09022015). Collection method: clinical testing. Allele origin: germline.
Comment: In summary, the available evidence is currently insufficient to determine the role of this variant in disease. Therefore, it has been classified as a Variant of Uncertain Significance. Algorithms developed to predict the effect of sequence changes on RNA splicing suggest that this variant may disrupt the consensus splice site. This variant has not been reported in the literature in individuals affected with AP3D1-related conditions. This variant is present in population databases (rs760328728, gnomAD 0.005%). This sequence change falls in intron 25 of the AP3D1 gene. It does not directly change the encoded amino acid sequence of the AP3D1 protein.